The following is an entry in ClinVar:

NM_012418.4(FSCN2):c.1229A>T (p.Asp410Val)

Gene: FSCN2 (fascin actin-bundling protein 2, retinal; plus strand). Cytogenetic location: 17q25.3.
Variant type: single nucleotide variant.
Coding change: c.1229A>T on transcript NM_012418.4 (MANE Select); coding-DNA position 1229, A replaced by T.
Protein change: p.Asp410Val; replaces aspartic acid 410 with valine.
Molecular consequence: missense variant.
Genome position (GRCh38, 1-based): chr17:81,536,745, A>T. VCF-style: chr17-81536745-A-T. GRCh37 (hg19) VCF-style: chr17-79503771-A-T.
Other names: c.1301A>T (NM_001077182.2); c.1301A>T, p.Asp434Val (NM_001077182.3); short protein forms D410V, D434V.
Identifiers: ClinVar variation 1373312 (VCV001373312.9), dbSNP rs1392008452, ClinGen allele CA401478224.

ClinVar aggregate classification (germline): Uncertain significance. Review status: criteria provided, multiple submitters, no conflicts (2 of 4 stars). 2 submissions from 2 submitters: Uncertain significance (2). Last evaluated 2025-06-12.

gnomAD v4.1: 7 of 1,610,282 alleles (0.00043%); highest among the groups gnomAD compares: Admixed American, 0.0017%; no homozygotes.

Submissions (2):

Labcorp Genetics (formerly Invitae), Labcorp
Classification: Uncertain significance. Last evaluated: 2025-06-12. Review status: criteria provided, single submitter. Criteria: Invitae Variant Classification Sherloc (09022015). Collection method: clinical testing. Allele origin: germline.
Comment: This sequence change replaces aspartic acid, which is acidic and polar, with valine, which is neutral and non-polar, at codon 434 of the FSCN2 protein (p.Asp434Val). This variant is present in population databases (no rsID available, gnomAD 0.001%). This variant has not been reported in the literature in individuals affected with FSCN2-related conditions. ClinVar contains an entry for this variant (Variation ID: 1373312). An algorithm developed to predict the effect of missense changes on protein structure and function (PolyPhen-2) suggests that this variant is likely to be disruptive. In summary, the available evidence is currently insufficient to determine the role of this variant in disease. Therefore, it has been classified as a Variant of Uncertain Significance.

Ambry Genetics
Classification: Uncertain significance. Last evaluated: 2024-04-12. Review status: criteria provided, single submitter. Criteria: Ambry Variant Classification Scheme 2023. Collection method: clinical testing. Allele origin: germline.